The following is an entry in ClinVar:

NM_000090.4(COL3A1):c.725G>A (p.Arg242Gln)

Gene: COL3A1 (collagen type III alpha 1 chain; plus strand). Cytogenetic location: 2q32.2.
Variant type: single nucleotide variant.
Coding change: c.725G>A on transcript NM_000090.4 (MANE Select); coding-DNA position 725, G replaced by A.
Protein change: p.Arg242Gln; replaces arginine 242 with glutamine.
Molecular consequence: missense variant.
Genome position (GRCh38, 1-based): chr2:188,990,130, G>A. VCF-style: chr2-188990130-G-A. GRCh37 (hg19) VCF-style: chr2-189854856-G-A.
Other names: short protein forms R242Q.
Identifiers: ClinVar variation 922047 (VCV000922047.10), dbSNP rs372025063, ClinGen allele CA076833.

ClinVar aggregate classification (germline): Uncertain significance. Review status: criteria provided, multiple submitters, no conflicts (2 of 4 stars). 3 submissions from 3 submitters: Uncertain significance (3). Last evaluated 2025-12-08.

Conditions:
Ehlers-Danlos syndrome, type 4 (EDSVASC). Also called: Ehlers-Danlos Syndrome Type IV; Ehlers-Danlos syndrome vascular type; Ehlers Danlos syndrome, ecchymotic type; Ehlers Danlos syndrome, arterial type; Ehlers Danlos syndrome, Sack-Barabas type. Identifiers: Orphanet 286, MedGen C0268338, MONDO:0017314, OMIM 130050.
Familial thoracic aortic aneurysm and aortic dissection (TAAD). Also called: Thoracic aortic aneurysms and dissections. Identifiers: Orphanet 91387, MedGen C4707243, MONDO:0019625.

Allele frequency attached by ClinVar (database versions not stated): gnomAD exomes below 0.00001 and 0.00001; ExAC 0.00001; gnomAD 0.00001; ESP Exome Variant Server 0.00008.
gnomAD v4.1: 16 of 1,613,584 alleles (0.00099%); highest among the groups gnomAD compares: South Asian, 0.0077%; no homozygotes.

Submissions (3):

Color Diagnostics, LLC DBA Color Health
Classification: Uncertain significance for Familial thoracic aortic aneurysm and aortic dissection. Last evaluated: 2025-12-08. Review status: criteria provided, single submitter. Criteria: ACMG Guidelines, 2015. Collection method: clinical testing. Allele origin: germline.
Comment: Variant of Uncertain Significance due to insufficient evidence: This missense variant is located in the triple-helical region of the COL3A1 protein. Computational prediction tools and conservation analyses are inconclusive regarding the impact of this variant on the protein function. Computational splicing tools suggest that this variant may not impact RNA splicing. To our knowledge, functional assays have not been performed for this variant nor has this variant been reported in individuals affected with cardiovascular disorders in the literature. This variant has been identified in 1/245690 chromosomes in the general population by the Genome Aggregation Database (gnomAD). Available evidence is insufficient to determine the pathogenicity of this variant conclusively.

Labcorp Genetics (formerly Invitae), Labcorp
Classification: Uncertain significance for Ehlers-Danlos syndrome, type 4. Last evaluated: 2025-06-24. Review status: criteria provided, single submitter. Criteria: Invitae Variant Classification Sherloc (09022015). Collection method: clinical testing. Allele origin: germline.
Comment: This sequence change replaces arginine, which is basic and polar, with glutamine, which is neutral and polar, at codon 242 of the COL3A1 protein (p.Arg242Gln). This variant is present in population databases (rs372025063, gnomAD 0.003%). This variant has not been reported in the literature in individuals affected with COL3A1-related conditions. ClinVar contains an entry for this variant (Variation ID: 922047). Invitae Evidence Modeling of protein sequence and biophysical properties (such as structural, functional, and spatial information, amino acid conservation, physicochemical variation, residue mobility, and thermodynamic stability) indicates that this missense variant is not expected to disrupt COL3A1 protein function with a negative predictive value of 95%. In summary, the available evidence is currently insufficient to determine the role of this variant in disease. Therefore, it has been classified as a Variant of Uncertain Significance.

All of Us Research Program, National Institutes of Health
Classification: Uncertain significance for Ehlers-Danlos syndrome, type 4. Last evaluated: 2024-08-31. Review status: criteria provided, single submitter. Criteria: ACMG Guidelines, 2015. Collection method: clinical testing. Allele origin: germline. Inheritance: Autosomal dominant inheritance. Observed: 3 variant alleles, 3 heterozygotes.
Comment: Variant of Uncertain Significance due to insufficient evidence: This missense variant is located in the triple-helical region of the COL3A1 protein. Computational prediction tools and conservation analyses are inconclusive regarding the impact of this variant on the protein function. Computational splicing tools suggest that this variant may not impact RNA splicing. To our knowledge, functional assays have not been performed for this variant nor has this variant been reported in individuals affected with cardiovascular disorders in the literature. This variant has been identified in 1/245690 chromosomes in the general population by the Genome Aggregation Database (gnomAD). Available evidence is insufficient to determine the pathogenicity of this variant conclusively.

This study involves interpretation of variants in research participants for the purpose of population health screening. Participant phenotype was not available at the time of variant classification. Additional details can be found in publication PMID: 35346344, PMCID: PMC8962531